The following is an entry in ClinVar:

NM_004646.4(NPHS1):c.1334G>A (p.Trp445Ter)

Gene: NPHS1 (NPHS1 adhesion molecule, nephrin; minus strand). Cytogenetic location: 19q13.12.
Variant type: single nucleotide variant.
Coding change: c.1334G>A on transcript NM_004646.4 (MANE Select); coding-DNA position 1334, G replaced by A.
Protein change: p.Trp445Ter; replaces tryptophan 445 with a stop codon.
Molecular consequence: nonsense.
Genome position (GRCh38, 1-based): chr19:35,848,147, C>T on the plus strand (G>A on the coding strand, the complement: NPHS1 is on the minus strand). VCF-style: chr19-35848147-C-T. GRCh37 (hg19) VCF-style: chr19-36339049-C-T.
Other names: short protein forms W445*.
Identifiers: ClinVar variation 370800 (VCV000370800.13), dbSNP rs1057516776, ClinGen allele CA16041980.
Genomic context (GRCh38, chr19:35,848,147, plus strand): 5'-CACACCAGCCTCACCCGGGTCCCAGCCCGGAGCTTCTGGCCCTCTGGGGGACCCTCAATC[C>T]ACAGTTTCTGGGCGGGATCTGGCGGGGAGAGGAAGGAAGAATGACTTTTTCTCTGTGCTG-3'

ClinVar aggregate classification (germline): Pathogenic/Likely pathogenic. Review status: criteria provided, multiple submitters, no conflicts (2 of 4 stars). 5 submissions from 5 submitters: Pathogenic (1); Likely pathogenic (3). 1 of the submissions does not count toward it. Last evaluated 2025-04-19.

Conditions:
Finnish congenital nephrotic syndrome (NPHS1). Also called: NEPHROTIC SYNDROME, TYPE 1. Identifiers: Orphanet 839, MedGen C0403399, MONDO:0009732, OMIM 256300.

Submissions (5):

Natera, Inc.
Classification: Likely pathogenic for Finnish congenital nephrotic syndrome. Last evaluated: 2025-04-19. Review status: criteria provided, single submitter. Criteria: Natera Variant Classification Schema (03/2026). Collection method: clinical testing. Allele origin: germline.
Comment: The c.1334G>A variant in NPHS1 is a nonsense variant predicted to introduce a stop codon at amino acid 445. This variant is expected to result in nonsense mediated decay, truncation, or a dysfunctional protein product. This variant is rare in the general population with a frequency below the threshold expected for the associated phenotype(s). Given the available evidence, this variant is classified as Likely Pathogenic.

Fulgent Genetics
Classification: Likely pathogenic for Finnish congenital nephrotic syndrome. Last evaluated: 2024-01-29. Review status: criteria provided, single submitter. Criteria: ACMG Guidelines, 2015. Collection method: clinical testing. Allele origin: germline.

Labcorp Genetics (formerly Invitae), Labcorp
Classification: Pathogenic. Last evaluated: 2024-01-24. Review status: criteria provided, single submitter. Criteria: Invitae Variant Classification Sherloc (09022015). Collection method: clinical testing. Allele origin: germline.
Comment: This sequence change creates a premature translational stop signal (p.Trp445*) in the NPHS1 gene. It is expected to result in an absent or disrupted protein product. Loss-of-function variants in NPHS1 are known to be pathogenic (PMID: 11317351, 11854170, 12039988). This variant is not present in population databases (gnomAD no frequency). This variant has not been reported in the literature in individuals affected with NPHS1-related conditions. ClinVar contains an entry for this variant (Variation ID: 370800). Algorithms developed to predict the effect of sequence changes on RNA splicing suggest that this variant may disrupt the consensus splice site. For these reasons, this variant has been classified as Pathogenic.

Baylor Genetics
Classification: Likely pathogenic for Finnish congenital nephrotic syndrome. Last evaluated: 2023-03-09. Review status: criteria provided, single submitter. Criteria: ACMG Guidelines, 2015. Collection method: clinical testing. Allele origin: unknown.

Counsyl
Classification: Likely pathogenic for Finnish congenital nephrotic syndrome. Last evaluated: 2016-04-15. Review status: no assertion criteria provided. Collection method: clinical testing. Allele origin: unknown. Not counted in ClinVar's aggregate classification.

Literature cited by the submitters: PubMed 11317351 (cited by Labcorp Genetics (formerly Invitae), Labcorp); PubMed 11854170 (cited by Labcorp Genetics (formerly Invitae), Labcorp); PubMed 12039988 (cited by Labcorp Genetics (formerly Invitae), Labcorp).